The following is an entry in ClinVar:

NM_152618.3(BBS12):c.579dup (p.Leu194fs)

Gene: BBS12 (Bardet-Biedl syndrome 12; plus strand). Cytogenetic location: 4q27.
Variant type: Duplication.
Coding change: c.579dup on transcript NM_152618.3 (MANE Select); coding-DNA position 579, one base duplicated (T; older notation c.579dupT).
Protein change: p.Leu194fs; shifts the reading frame from leucine 194.
Molecular consequence: frameshift variant.
Genome position (GRCh38, 1-based): chr4:122,742,471, T duplicated. VCF-style (leftmost placement, unchanged base first): chr4-122742470-C-CT. GRCh37 (hg19) VCF-style: chr4-123663625-C-CT.
Other names: c.579dup, p.Leu194fs (NM_001178007.2); short protein forms L194fs.
Identifiers: ClinVar variation 4816889 (VCV004816889.1).
Genomic context (GRCh38, chr4:122,742,470, plus strand): 5'-TGCATGGTCTCAAAGATGTTGCCTCTCAAACACTGACCATTTCCAACCTTTCTGGGAGAC[C>CT]TCTTAAATCATATGAATTATTTAAACCTCAGACAAAGGTTGAAGCAGATAACAACACATC-3'

ClinVar aggregate classification (germline): Likely pathogenic (1 of 4 stars; one submission).

Conditions:
Bardet-Biedl syndrome 12 (BBS12). Identifiers: Orphanet 110, MedGen C1859570, MONDO:0014440, OMIM 615989.

Submission:

Natera, Inc.
Classification: Likely pathogenic for Bardet-Biedl syndrome type 12. Last evaluated: 2024-10-16. Review status: criteria provided, single submitter. Criteria: Natera Variant Classification Schema (03/2026). Collection method: clinical testing. Allele origin: germline.
Comment: The c.579dupT variant in BBS12 is a frameshift variant predicted to shift the reading frame beginning at codon 194 and leads to a stop codon 2 codons downstream. This variant is expected to result in nonsense mediated decay, truncation, or a dysfunctional protein product. This variant is rare in the general population with a frequency below the threshold expected for the associated phenotype(s). Given the available evidence, this variant is classified as Likely Pathogenic.